The following is an entry in ClinVar:

ClinVar aggregate classification (germline): Uncertain significance (1 of 4 stars; one submission).

Conditions:
Fanconi anemia (FA). Also called: Fanconi's anemia. Identifiers: Orphanet 84, MedGen C0015625, MeSH D005199, MONDO:0019391.

Allele frequency attached by ClinVar (database versions not stated): gnomAD exomes below 0.00001 and 0.00001; ExAC 0.00002; ESP Exome Variant Server 0.00009.
gnomAD v4.1: 1 of 1,210,529 alleles (0.000083%); highest among the groups gnomAD compares: Non-Finnish European, 0.00011%; no homozygotes.

Submission:

Labcorp Genetics (formerly Invitae), Labcorp
Classification: Uncertain significance for Fanconi anemia. Last evaluated: 2021-06-05. Review status: criteria provided, single submitter. Criteria: Invitae Variant Classification Sherloc (09022015). Collection method: clinical testing. Allele origin: germline.
Comment: This variant is present in population databases (rs377268147, ExAC 0.02%). This sequence change replaces methionine with threonine at codon 672 of the FANCB protein (p.Met672Thr). The methionine residue is moderately conserved and there is a moderate physicochemical difference between methionine and threonine. This variant has not been reported in the literature in individuals with FANCB-related conditions. In summary, the available evidence is currently insufficient to determine the role of this variant in disease. Therefore, it has been classified as a Variant of Uncertain Significance. Algorithms developed to predict the effect of missense changes on protein structure and function are either unavailable or do not agree on the potential impact of this missense change (SIFT: "Tolerated"; PolyPhen-2: "Possibly Damaging"; Align-GVGD: "Class C0").

NM_001018113.3(FANCB):c.2015T>C (p.Met672Thr)

Gene: FANCB (FA complementation group B; minus strand). Cytogenetic location: Xp22.2.
Variant type: single nucleotide variant.
Coding change: c.2015T>C on transcript NM_001018113.3 (MANE Select); coding-DNA position 2015, T replaced by C.
Protein change: p.Met672Thr; replaces methionine 672 with threonine.
Molecular consequence: missense variant.
Genome position (GRCh38, 1-based): chrX:14,844,653, A>G on the plus strand (T>C on the coding strand, the complement: FANCB is on the minus strand). VCF-style: chrX-14844653-A-G. GRCh37 (hg19) VCF-style: chrX-14862775-A-G.
Other names: c.2015T>C, p.Met672Thr (NM_001324162.2, NM_152633.4); short protein forms M672T.
Identifiers: ClinVar variation 1427803 (VCV001427803.8), dbSNP rs377268147, ClinGen allele CA10352975.